The following is an entry in ClinVar:

NM_001009999.3(KDM1A):c.242C>G (p.Ala81Gly)

Gene: KDM1A (lysine demethylase 1A; plus strand). Cytogenetic location: 1p36.12.
Variant type: single nucleotide variant.
Coding change: c.242C>G on transcript NM_001009999.3 (MANE Select); coding-DNA position 242, C replaced by G.
Protein change: p.Ala81Gly; replaces alanine 81 with glycine.
Molecular consequence: missense variant.
Genome position (GRCh38, 1-based): chr1:23,019,838, C>G. VCF-style: chr1-23019838-C-G. GRCh37 (hg19) VCF-style: chr1-23346331-C-G.
Other names: c.242C>G, p.Ala81Gly (NM_001410763.1, NM_015013.4, NM_001363654.2 and 1 more transcripts); short protein forms A81G.
Identifiers: ClinVar variation 4091044 (VCV004091044.1).

ClinVar aggregate classification (germline): Uncertain significance (1 of 4 stars; one submission).

Conditions:
Inborn genetic diseases. Identifiers: MedGen C0950123, MeSH D030342.

Submission:

Ambry Genetics
Classification: Uncertain significance for Inborn genetic diseases. Last evaluated: 2025-07-03. Review status: criteria provided, single submitter. Criteria: Ambry Variant Classification Scheme 2023. Collection method: clinical testing. Allele origin: germline.
Comment: The p.A81G variant (also known as c.242C>G), located in coding exon 1 of the KDM1A gene, results from a C to G substitution at nucleotide position 242. The alanine at codon 81 is replaced by glycine, an amino acid with similar properties. This amino acid position is conserved. In addition, this alteration is predicted to be tolerated by in silico analysis. Based on the available evidence, the clinical significance of this variant remains unclear.